The following is an entry in ClinVar:

NM_000059.4(BRCA2):c.9501+1G>T

Gene: BRCA2 (BRCA2 DNA repair associated; plus strand). Cytogenetic location: 13q13.1.
Variant type: single nucleotide variant.
Coding change: c.9501+1G>T on transcript NM_000059.4 (MANE Select); the canonical splice donor site of the intron after coding-DNA position 9501, G replaced by T.
Molecular consequence: splice donor variant.
Genome position (GRCh38, 1-based): chr13:32,394,934, G>T. VCF-style: chr13-32394934-G-T. GRCh37 (hg19) VCF-style: chr13-32969071-G-T.
Other names: c.9450+1G>T (NM_001406720.1); c.9405+1G>T (NM_001406719.1); c.4569+1G>T (NM_001406721.1); c.3084+1G>T (NM_001406722.1).
Identifiers: ClinVar variation 267725 (VCV000267725.23), dbSNP rs397508058, ClinGen allele CA10602568.

ClinVar aggregate classification (germline): Pathogenic/Likely pathogenic. Review status: criteria provided, multiple submitters, no conflicts (2 of 4 stars). 5 submissions from 5 submitters: Pathogenic (2); Likely pathogenic (3). Last evaluated 2025-10-10.

Conditions:
Hereditary cancer-predisposing syndrome. Also called: Hereditary neoplastic syndrome; Neoplastic Syndromes, Hereditary; Tumor predisposition; Hereditary Cancer Syndrome. Identifiers: Orphanet 140162, MedGen C0027672, MeSH D009386, MONDO:0015356.
Breast-ovarian cancer, familial, susceptibility to, 2 (BROVCA2). Also called: BRCA2 Hereditary Breast and Ovarian Cancer. Identifiers: Orphanet 145, MedGen C2675520, MONDO:0012933, OMIM 612555. Disease mechanism: loss of function.
Hereditary breast ovarian cancer syndrome. Also called: BRCA1- and BRCA2-Associated Hereditary Breast and Ovarian Cancer; Hereditary breast and ovarian cancer; Breast and ovarian cancer; Hereditary breast and/or ovarian cancer syndrome; Hereditary breast and ovarian cancer syndrome; Hereditary breast and ovarian cancer syndrome (HBOC). Identifiers: Orphanet 145, MedGen C0677776, MeSH D061325, MONDO:0003582. Disease mechanism: loss of function.

Submissions (5):

Women's Health and Genetics/Laboratory Corporation of America, LabCorp
Classification: Pathogenic for Hereditary breast ovarian cancer syndrome. Last evaluated: 2025-10-10. Review status: criteria provided, single submitter. Criteria: LabCorp Variant Classification Summary - May 2015. Collection method: clinical testing. Allele origin: germline.
Comment: Variant summary: BRCA2 c.9501+1G>T is located in a canonical splice-site and is predicted to affect mRNA splicing resulting in a significantly altered protein due to either exon skipping, shortening, or inclusion of intronic material. Variants that disrupt the consensus splice site are a relatively common cause of aberrant splicing and loss of BRCA2 function. Several computational tools predict a significant impact on normal splicing: Four predict the variant abolishes a 5 splicing donor site. Other variants that affect this splice-site have been reported in patients with breast cancer (eg. c.9501+1G>A). The variant was absent in 251052 control chromosomes. c.9501+1G>T has been observed in individual(s) affected with Hereditary Breast And Ovarian Cancer Syndrome (Kechin_2022). These report(s) do not provide unequivocal conclusions about association of the variant with Hereditary Breast And Ovarian Cancer Syndrome. To our knowledge, no experimental evidence demonstrating an impact on protein function has been reported. ClinVar contains an entry for this variant (Variation ID: 267725). Based on the evidence outlined above, the variant was classified as pathogenic.

Labcorp Genetics (formerly Invitae), Labcorp
Classification: Likely pathogenic for Hereditary breast ovarian cancer syndrome. Last evaluated: 2025-03-26. Review status: criteria provided, single submitter. Criteria: Invitae Variant Classification Sherloc (09022015). Collection method: clinical testing. Allele origin: germline.
Comment: This sequence change affects a donor splice site in intron 25 of the BRCA2 gene. RNA analysis indicates that disruption of this splice site induces altered splicing and may result in an absent or altered protein product. This variant is not present in population databases (gnomAD no frequency). Disruption of this splice site has been observed in individual(s) with personal and/or family history of breast and/or ovarian cancer (PMID: 29446198, 30720863, 33461583, 34645131, 36367610). ClinVar contains an entry for this variant (Variation ID: 267725). Studies have shown that disruption of this splice site results in skipping of exon 25, and produces a non-functional protein and/or introduces a premature termination codon (internal data). In summary, the currently available evidence indicates that the variant is pathogenic, but additional data are needed to prove that conclusively. Therefore, this variant has been classified as Likely Pathogenic.

Ambry Genetics
Classification: Likely pathogenic for Hereditary cancer-predisposing syndrome. Last evaluated: 2025-02-27. Review status: criteria provided, single submitter. Criteria: Ambry Variant Classification Scheme 2023. Collection method: clinical testing. Allele origin: germline.
Comment: The c.9501+1G>T intronic variant results from a G to T substitution one nucleotide after coding exon 24 of the BRCA2 gene. This variant is considered to be rare based on population cohorts in the Genome Aggregation Database (gnomAD). This nucleotide position is highly conserved in available vertebrate species. In silico splice site analysis predicts that this alteration will weaken the native splice donor site; however direct evidence is insufficient. Alterations that disrupt the canonical splice site are expected to cause aberrant splicing, resulting in an abnormal protein or a transcript that is subject to nonsense-mediated mRNA decay. As such, this alteration is classified as likely pathogenic.

Quest Diagnostics Nichols Institute San Juan Capistrano
Classification: Likely pathogenic. Last evaluated: 2022-08-23. Review status: criteria provided, single submitter. Criteria: Quest Diagnostics criteria. Collection method: clinical testing. Allele origin: unknown.
Comment: This variant disrupts a canonical splice-donor site and is predicted to interfere with normal BRCA2 mRNA splicing. This variant has not been reported in large, multi-ethnic general populations. In the published literature, the variant has been reported in a Hispanic family with an increased risk of breast and/or ovarian cancer (PMID: 29446198 (2018)). Based on the available information, this variant is classified as likely pathogenic.

Consortium of Investigators of Modifiers of BRCA1/2 (CIMBA), c/o University of Cambridge
Classification: Pathogenic for Breast-ovarian cancer, familial, susceptibility to, 2. Last evaluated: 2015-10-02. Review status: criteria provided, single submitter. Criteria: CIMBA Mutation Classification guidelines May 2016. Collection method: clinical testing. Allele origin: germline.

Literature cited by the submitters: PubMed 36367610 (cited by Women's Health and Genetics/Laboratory Corporation of America, LabCorp and Labcorp Genetics (formerly Invitae), Labcorp); PubMed 29446198 (cited by Labcorp Genetics (formerly Invitae), Labcorp and Quest Diagnostics Nichols Institute San Juan Capistrano); PubMed 30720863 (cited by Labcorp Genetics (formerly Invitae), Labcorp); PubMed 33461583 (cited by Labcorp Genetics (formerly Invitae), Labcorp); PubMed 34645131 (cited by Labcorp Genetics (formerly Invitae), Labcorp); PubMed 29310832 (cited by Ambry Genetics).